The following is an entry in ClinVar:

ClinVar aggregate classification (germline): Uncertain significance (1 of 4 stars; one submission).

Conditions:
Hereditary cancer-predisposing syndrome. Also called: Neoplastic Syndromes, Hereditary; Tumor predisposition; Hereditary Cancer Syndrome; Hereditary neoplastic syndrome. Identifiers: Orphanet 140162, MedGen C0027672, MeSH D009386, MONDO:0015356.

Submission:

Ambry Genetics
Classification: Uncertain significance for Hereditary cancer-predisposing syndrome. Last evaluated: 2025-10-15. Review status: criteria provided, single submitter. Criteria: Ambry Variant Classification Scheme 2023. Collection method: clinical testing. Allele origin: germline.
Comment: The p.S1509F variant (also known as c.4526C>T), located in coding exon 29 of the ALK gene, results from a C to T substitution at nucleotide position 4526. The serine at codon 1509 is replaced by phenylalanine, an amino acid with highly dissimilar properties. This amino acid position is conserved. In addition, this alteration is predicted to be deleterious by in silico analysis. Based on the available evidence, the clinical significance of this variant remains unclear.

NM_004304.5(ALK):c.4526C>T (p.Ser1509Phe)

Gene: ALK (ALK receptor tyrosine kinase; minus strand). Cytogenetic location: 2p23.2.
Variant type: single nucleotide variant.
Coding change: c.4526C>T on transcript NM_004304.5 (MANE Select); coding-DNA position 4526, C replaced by T.
Protein change: p.Ser1509Phe; replaces serine 1509 with phenylalanine.
Molecular consequence: missense variant.
Genome position (GRCh38, 1-based): chr2:29,193,561, G>A on the plus strand (C>T on the coding strand, the complement: ALK is on the minus strand). VCF-style: chr2-29193561-G-A. GRCh37 (hg19) VCF-style: chr2-29416427-G-A.
Other names: c.1322C>T, p.Ser441Phe (NM_001353765.2); short protein forms S1509F, S441F.
Identifiers: ClinVar variation 4676042 (VCV004676042.1).